The following is an entry in ClinVar:

NM_000286.3(PEX12):c.207_209del (p.Leu70del)

Gene: PEX12 (peroxisomal biogenesis factor 12; minus strand). Cytogenetic location: 17q12.
Variant type: Deletion.
Coding change: c.207_209del on transcript NM_000286.3 (MANE Select); coding-DNA positions 207 to 209, 3 bases deleted (GCT; older notation c.207_209delGCT).
Protein change: p.Leu70del; deletes leucine 70.
Molecular consequence: inframe deletion.
Genome position (GRCh38, 1-based): chr17:35,577,509-35,577,511, AGC deleted on the plus strand (GCT on the coding strand, the reverse complement: PEX12 is on the minus strand); deleting any 3 consecutive bases within chr17:35,577,509-35,577,513 gives the same sequence; the c. name uses the placement nearest the transcript's 3' end. VCF-style (leftmost placement, unchanged base first): chr17-35577508-GAGC-G. GRCh37 (hg19) VCF-style: chr17-33904527-GAGC-G.
Other names: short protein forms L70del.
Identifiers: ClinVar variation 2086142 (VCV002086142.4), dbSNP rs1458844437, ClinGen allele CA728430530.

ClinVar aggregate classification (germline): Uncertain significance (1 of 4 stars; one submission).

Conditions:
Peroxisome biogenesis disorder 3A (Zellweger). Also called: PEROXISOMAL BIOGENESIS DISORDER 3A (ZELLWEGER); Peroxisome biogenesis disorder 3A. Identifiers: Orphanet 912, MedGen C3553929, MONDO:0013927, OMIM 614859.

Submission:

Labcorp Genetics (formerly Invitae), Labcorp
Classification: Uncertain significance for Peroxisome biogenesis disorder 3A (Zellweger). Last evaluated: 2022-04-06. Review status: criteria provided, single submitter. Criteria: Invitae Variant Classification Sherloc (09022015). Collection method: clinical testing. Allele origin: germline.
Comment: Experimental studies and prediction algorithms are not available or were not evaluated, and the functional significance of this variant is currently unknown. In summary, the available evidence is currently insufficient to determine the role of this variant in disease. Therefore, it has been classified as a Variant of Uncertain Significance. This variant has not been reported in the literature in individuals affected with PEX12-related conditions. This variant is not present in population databases (gnomAD no frequency). This variant, c.207_209del, results in the deletion of 1 amino acid(s) of the PEX12 protein (p.Leu70del), but otherwise preserves the integrity of the reading frame.